The following is an entry in ClinVar:

NM_000108.5(DLD):c.943C>T (p.Arg315Ter)

Gene: DLD (dihydrolipoamide dehydrogenase; plus strand). Cytogenetic location: 7q31.1.
Variant type: single nucleotide variant.
Coding change: c.943C>T on transcript NM_000108.5 (MANE Select); coding-DNA position 943, C replaced by T.
Protein change: p.Arg315Ter; replaces arginine 315 with a stop codon.
Molecular consequence: nonsense.
Genome position (GRCh38, 1-based): chr7:107,916,861, C>T. VCF-style: chr7-107916861-C-T. GRCh37 (hg19) VCF-style: chr7-107557306-C-T.
Other names: c.874C>T, p.Arg292Ter (NM_001289751.1); c.799C>T, p.Arg267Ter (NM_001289752.1); c.646C>T, p.Arg216Ter (NM_001289750.1); c.943C>T (NM_000108.4); short protein forms R216*, R267*, R292*, R315*.
Identifiers: ClinVar variation 2674853 (VCV002674853.3), dbSNP rs781776246, ClinGen allele CA4434596.

ClinVar aggregate classification (germline): Likely pathogenic. Review status: criteria provided, multiple submitters, no conflicts (2 of 4 stars). 2 submissions from 2 submitters: Likely pathogenic (2). Last evaluated 2024-03-04.

Conditions:
Pyruvate dehydrogenase E3 deficiency (DLDD). Also called: Dihydrolipoamide Dehydrogenase (E3) Deficiency; Dihydrolipoamide Dehydrogenase E3 Deficiency; Lipoamide dehydrogenase deficiency, lactic acidosis due to; DLD DEFICIENCY; E3 DEFICIENCY; Lipoamide dehydrogenase deficiency. Identifiers: Orphanet 2394, Orphanet 765, MedGen C5574660, MONDO:0009529, OMIM 246900.

Allele frequency attached by ClinVar (database versions not stated): ExAC 0.00001; gnomAD 0.00001; gnomAD exomes 0.00001.

Submissions (2):

Natera, Inc.
Classification: Likely pathogenic for Maple syrup urine disease type 3. Last evaluated: 2024-03-04. Review status: criteria provided, single submitter. Criteria: Natera Variant Classification Schema (03/2026). Collection method: clinical testing. Allele origin: germline.
Comment: The c.943C>T variant in DLD is a nonsense variant predicted to introduce a stop codon at amino acid 315. This variant is expected to result in nonsense mediated decay, truncation, or a dysfunctional protein product. This variant is rare in the general population with a frequency below the threshold expected for the associated phenotype(s). Given the available evidence, this variant is classified as Likely Pathogenic.

Baylor Genetics
Classification: Likely pathogenic for Pyruvate dehydrogenase E3 deficiency. Last evaluated: 2024-02-08. Review status: criteria provided, single submitter. Criteria: ACMG Guidelines, 2015. Collection method: clinical testing. Allele origin: unknown.